The following is an entry in ClinVar:

NM_000057.4(BLM):c.1205A>G (p.Gln402Arg)

Gene: BLM (BLM RecQ like helicase; plus strand). Cytogenetic location: 15q26.1.
Variant type: single nucleotide variant.
Coding change: c.1205A>G on transcript NM_000057.4 (MANE Select); coding-DNA position 1205, A replaced by G.
Protein change: p.Gln402Arg; replaces glutamine 402 with arginine.
Molecular consequence: missense variant.
Genome position (GRCh38, 1-based): chr15:90,760,264, A>G. VCF-style: chr15-90760264-A-G. GRCh37 (hg19) VCF-style: chr15-91303494-A-G.
Other names: c.80A>G, p.Gln27Arg (NM_001287248.2); c.1205A>G, p.Gln402Arg (NM_001287246.2, NM_001287247.2); short protein forms Q27R, Q402R.
Identifiers: ClinVar variation 1748566 (VCV001748566.7), dbSNP rs1317810142, ClinGen allele CA393842547.
Genomic context (GRCh38, chr15:90,760,264, plus strand): 5'-TAATTGATACTATTCCTGATGATAAACTGAAACTTTTGGATTGTGGGAACGAACTGCTTC[A>G]GCAGCGGAACATAAGGTATCTTAATTTTCCCCCTTCTGGAATATATCTGATTATATTTCT-3'
Protein context (NP_000048.1, residues 392-412): KLLDCGNELL[Gln402Arg]QRNIRRKLLT

ClinVar aggregate classification (germline): Conflicting classifications of pathogenicity. Review status: criteria provided, conflicting classifications (1 of 4 stars). 3 submissions from 3 submitters: Uncertain significance (2); Likely benign (1). Last evaluated 2025-02-26.

Conditions:
Hereditary cancer-predisposing syndrome. Also called: Hereditary Cancer Syndrome; Hereditary neoplastic syndrome; Neoplastic Syndromes, Hereditary; Tumor predisposition. Identifiers: Orphanet 140162, MedGen C0027672, MeSH D009386, MONDO:0015356.
Bloom syndrome (BLM). Also called: Bloom-Torre-Machacek syndrome. Identifiers: Orphanet 125, MedGen C0005859, MONDO:0008876, OMIM 210900.

Allele frequency attached by ClinVar (database versions not stated): gnomAD exomes below 0.00001.
gnomAD v4.1: 2 of 1,614,168 alleles (0.00012%); highest among the groups gnomAD compares: Non-Finnish European, 0.000085%; no homozygotes.

Submissions (3):

Labcorp Genetics (formerly Invitae), Labcorp
Classification: Uncertain significance for Bloom syndrome. Last evaluated: 2025-02-26. Review status: criteria provided, single submitter. Criteria: Invitae Variant Classification Sherloc (09022015). Collection method: clinical testing. Allele origin: germline.
Comment: This sequence change replaces glutamine, which is neutral and polar, with arginine, which is basic and polar, at codon 402 of the BLM protein (p.Gln402Arg). This variant is not present in population databases (gnomAD no frequency). This variant has not been reported in the literature in individuals affected with BLM-related conditions. ClinVar contains an entry for this variant (Variation ID: 1748566). Invitae Evidence Modeling of protein sequence and biophysical properties (such as structural, functional, and spatial information, amino acid conservation, physicochemical variation, residue mobility, and thermodynamic stability) indicates that this missense variant is not expected to disrupt BLM protein function with a negative predictive value of 80%. In summary, the available evidence is currently insufficient to determine the role of this variant in disease. Therefore, it has been classified as a Variant of Uncertain Significance.

Ambry Genetics
Classification: Likely benign for Hereditary cancer-predisposing syndrome. Last evaluated: 2024-05-21. Review status: criteria provided, single submitter. Criteria: Ambry Variant Classification Scheme 2023. Collection method: clinical testing. Allele origin: germline.

GeneDx
Classification: Uncertain significance. Last evaluated: 2023-05-24. Review status: criteria provided, single submitter. Criteria: GeneDx Variant Classification Process June 2021. Collection method: clinical testing. Allele origin: germline. Affected: yes.
Comment: Not observed at significant frequency in large population cohorts (gnomAD); In silico analysis supports that this missense variant does not alter protein structure/function; Has not been previously published as pathogenic or benign to our knowledge